The following is an entry in ClinVar:

NM_000070.3(CAPN3):c.972_973dup (p.Arg325fs)

Gene: CAPN3 (calpain 3; plus strand). Cytogenetic location: 15q15.1.
Variant type: Duplication.
Coding change: c.972_973dup on transcript NM_000070.3 (MANE Select); coding-DNA positions 972 to 973, 2 bases duplicated (AA; older notation c.972_973dupAA).
Protein change: p.Arg325fs; shifts the reading frame from arginine 325.
Molecular consequence: frameshift variant.
Genome position (GRCh38, 1-based): chr15:42,392,665-42,392,666, AA duplicated. VCF-style (leftmost placement, unchanged base first): chr15-42392664-C-CAA. GRCh37 (hg19) VCF-style: chr15-42684862-C-CAA.
Other names: c.972_973dup, p.Arg325fs (NM_024344.2); c.828_829dup, p.Arg277fs (NM_173087.2); short protein forms R277fs, R325fs.
Identifiers: ClinVar variation 3640527 (VCV003640527.2).

ClinVar aggregate classification (germline): Pathogenic (1 of 4 stars; one submission).

Conditions:
Autosomal recessive limb-girdle muscular dystrophy type 2A (LGMDR1). Also called: LEYDEN-MOEBIUS MUSCULAR DYSTROPHY; MUSCULAR DYSTROPHY, PELVOFEMORAL; Limb-girdle muscular dystrophy, type 2A; Calpainopathy; Muscular dystrophy, limb-girdle, type 2A, Amish. Identifiers: Orphanet 267, MedGen C1869123, MONDO:0009675, OMIM 253600. Disease mechanism: loss of function.

Submission:

Labcorp Genetics (formerly Invitae), Labcorp
Classification: Pathogenic for Autosomal recessive limb-girdle muscular dystrophy type 2A. Last evaluated: 2024-02-13. Review status: criteria provided, single submitter. Criteria: Invitae Variant Classification Sherloc (09022015). Collection method: clinical testing. Allele origin: germline.
Comment: This sequence change creates a premature translational stop signal (p.Arg325Lysfs*28) in the CAPN3 gene. It is expected to result in an absent or disrupted protein product. Loss-of-function variants in CAPN3 are known to be pathogenic (PMID: 10330340, 15689361). This variant is not present in population databases (gnomAD no frequency). This variant has not been reported in the literature in individuals affected with CAPN3-related conditions. For these reasons, this variant has been classified as Pathogenic.

Literature cited by the submitters: PubMed 10330340; PubMed 15689361.